The following is an entry in ClinVar:

ClinVar aggregate classification (germline): Likely benign. Review status: criteria provided, multiple submitters, no conflicts (2 of 4 stars). 2 submissions from 2 submitters: Likely benign (2). Last evaluated 2023-06-26.

Conditions:
Familial thoracic aortic aneurysm and aortic dissection (TAAD). Also called: Thoracic aortic aneurysms and dissections. Identifiers: Orphanet 91387, MedGen C4707243, MONDO:0019625.
Aortic aneurysm, familial thoracic 4 (AAT4). Also called: AORTIC ANEURYSM/AORTIC DISSECTION AND PATENT DUCTUS ARTERIOSUS. Identifiers: MedGen C1851504, MONDO:0007568, OMIM 132900.

Allele frequency attached by ClinVar (database versions not stated): gnomAD exomes below 0.00001; ExAC 0.00001.
gnomAD v4.1: 5 of 1,614,200 alleles (0.00031%); highest among the groups gnomAD compares: Admixed American, 0.0017%; no homozygotes.

Submissions (2):

All of Us Research Program, National Institutes of Health
Classification: Likely benign for Familial thoracic aortic aneurysm and aortic dissection. Last evaluated: 2023-06-26. Review status: criteria provided, single submitter. Criteria: ACMG Guidelines, 2015. Collection method: clinical testing. Allele origin: germline. Inheritance: Autosomal dominant inheritance. Observed: 1 variant allele, 1 heterozygote.
Comment: This study involves interpretation of variants in research participants for the purpose of population health screening. Participant phenotype was not available at the time of variant classification. Additional details can be found in publication PMID: 35346344, PMCID: PMC8962531

Labcorp Genetics (formerly Invitae), Labcorp
Classification: Likely benign for Aortic aneurysm, familial thoracic 4. Last evaluated: 2023-06-23. Review status: criteria provided, single submitter. Criteria: Invitae Variant Classification Sherloc (09022015). Collection method: clinical testing. Allele origin: germline.

NM_002474.3(MYH11):c.2571G>A (p.Lys857=)

Gene: MYH11 (myosin heavy chain 11; minus strand). Cytogenetic location: 16p13.11.
Variant type: single nucleotide variant.
Coding change: c.2571G>A on transcript NM_002474.3 (MANE Select); coding-DNA position 2571, G replaced by A.
Protein change: p.Lys857=; no amino-acid change (lysine 857 retained).
Molecular consequence: synonymous variant.
Genome position (GRCh38, 1-based): chr16:15,741,841, C>T on the plus strand (G>A on the coding strand, the complement: MYH11 is on the minus strand). VCF-style: chr16-15741841-C-T. GRCh37 (hg19) VCF-style: chr16-15835698-C-T.
Other names: c.2592G>A, p.Lys864= (NM_001040113.2, NM_001040114.2); c.2571G>A, p.Lys857= (NM_022844.3).
Identifiers: ClinVar variation 2731955 (VCV002731955.4), dbSNP rs777096260, ClinGen allele CA7922228.